The following is an entry in ClinVar:

ClinVar aggregate classification (germline): Uncertain significance. Review status: criteria provided, multiple submitters, no conflicts (2 of 4 stars). 2 submissions from 2 submitters: Uncertain significance (2). Last evaluated 2023-09-21.

Conditions:
Melanoma and neural system tumor syndrome. Also called: MELANOMA-ASTROCYTOMA SYNDROME. Identifiers: Orphanet 252206, MedGen C1835042, MONDO:0007967, OMIM 155755.
Familial melanoma. Also called: Hereditary melanoma; Hereditary cutaneous melanoma. Identifiers: Orphanet 618, MedGen C1512419, MONDO:0018961.

Submissions (2):

Baylor Genetics
Classification: Uncertain significance for Melanoma and neural system tumor syndrome. Last evaluated: 2023-09-21. Review status: criteria provided, single submitter. Criteria: ACMG Guidelines, 2015. Collection method: clinical testing. Allele origin: unknown.

Labcorp Genetics (formerly Invitae), Labcorp
Classification: Uncertain significance for Familial melanoma. Last evaluated: 2022-07-03. Review status: criteria provided, single submitter. Criteria: Invitae Variant Classification Sherloc (09022015). Collection method: clinical testing. Allele origin: germline.
Comment: The CDKN2A gene encodes two different proteins, p16INK4a and p14ARF, which are translated from alternative transcripts with different open reading frames. Both transcripts have been analyzed. We report either the variant with the higher classification or default to the CDKN2A (p16INK4a) variant. This report therefore includes the details for the CDKN2A (p16INK4a) variant. This sequence change replaces valine, which is neutral and non-polar, with leucine, which is neutral and non-polar, at codon 115 of the CDKN2A (p16INK4a) protein (p.Val115Leu). This variant is not present in population databases (gnomAD no frequency). This variant has not been reported in the literature in individuals affected with CDKN2A (p16INK4a)-related conditions. This variant is also known as c.386G>C (p.Arg129Pro) in the CDKN2A (p14ARF) transcript. Algorithms developed to predict the effect of missense changes on protein structure and function are either unavailable or do not agree on the potential impact of this missense change (SIFT: "Deleterious"; PolyPhen-2: "Benign"; Align-GVGD: "Class C0"). In summary, the available evidence is currently insufficient to determine the role of this variant in disease. Therefore, it has been classified as a Variant of Uncertain Significance.

NM_000077.5(CDKN2A):c.343G>C (p.Val115Leu)

Gene: CDKN2A (cyclin dependent kinase inhibitor 2A; minus strand). Cytogenetic location: 9p21.3.
Variant type: single nucleotide variant.
Coding change: c.343G>C on transcript NM_000077.5; coding-DNA position 343, G replaced by C.
Protein change: p.Val115Leu; replaces valine 115 with leucine.
Molecular consequence: missense variant (on NM_000077.6). On other transcripts: 3 prime UTR variant (1).
Genome position (GRCh38, 1-based): chr9:21,971,016, C>G on the plus strand (G>C on the coding strand, the complement: CDKN2A is on the minus strand). VCF-style: chr9-21971016-C-G. GRCh37 (hg19) VCF-style: chr9-21971015-C-G.
Other names: c.343G>C, p.Val115Leu (NM_000077.6, NM_001195132.2); c.190G>C, p.Val64Leu (NM_001363763.2); c.386G>C, p.Arg129Pro (NM_058195.4); c.*266G>C (NM_058197.5); short protein forms R129P, V64L, V115L.
Identifiers: ClinVar variation 2013862 (VCV002013862.5), dbSNP rs779913365, ClinGen allele CA373086021.